The following is an entry in ClinVar:

ClinVar aggregate classification (germline): Benign (1 of 4 stars; one submission).

Conditions:
Deficiency of hyaluronoglucosaminidase (MPS9). Also called: MPS IX; Mucopolysaccharidosis type 9; HYALURONIDASE DEFICIENCY. Identifiers: Orphanet 67041, MedGen C1291490, MONDO:0011093, OMIM 601492.

Allele frequency attached by ClinVar (database versions not stated): TOPMed 0.00774; gnomAD exomes 0.00969; gnomAD 0.01265 and 0.01280; 1000 Genomes Project 30x 0.00718; 1000 Genomes Project 0.00759.
gnomAD v4.1: 2,154 of 178,236 alleles (1.2%); highest among the groups gnomAD compares: Non-Finnish European, 1.3%; 38 homozygotes.

Submission:

Illumina Laboratory Services, Illumina
Classification: Benign for Deficiency of hyaluronoglucosaminidase. Last evaluated: 2018-01-13. Review status: criteria provided, single submitter. Criteria: ICSL Variant Classification Criteria 13 December 2019. Collection method: clinical testing. Allele origin: germline.
Comment: This variant was observed in the ICSL laboratory as part of a predisposition screen in an ostensibly healthy population. It had not been previously curated by ICSL or reported in the Human Gene Mutation Database (HGMD: prior to June 1st, 2018), and was therefore a candidate for classification through an automated scoring system. Utilizing variant allele frequency, disease prevalence and penetrance estimates, and inheritance mode, an automated score was calculated to assess if this variant is too frequent to cause the disease. Based on the score and internal cut-off values, a variant classified as benign is not then subjected to further curation. The score for this variant resulted in a classification of benign for this disease.

NM_153281.2(HYAL1):c.-414G>A

Gene: HYAL1 (hyaluronidase 1; minus strand). Cytogenetic location: 3p21.31.
Variant type: single nucleotide variant.
Coding change: c.-414G>A on transcript NM_153281.2; 414 bases upstream of the start codon, G replaced by A.
Molecular consequence: 5 prime UTR variant.
Genome position (GRCh38, 1-based): chr3:50,312,368, C>T on the plus strand (G>A on the coding strand, the complement: HYAL1 is on the minus strand). VCF-style: chr3-50312368-C-T. GRCh37 (hg19) VCF-style: chr3-50349799-C-T.
Identifiers: ClinVar variation 346102 (VCV000346102.7), dbSNP rs587609136, ClinGen allele CA10616988.